The following is an entry in ClinVar:

NM_015354.3(NUP188):c.4256C>T (p.Ala1419Val)

Gene: NUP188 (nucleoporin 188; plus strand). Cytogenetic location: 9q34.11.
Variant type: single nucleotide variant.
Coding change: c.4256C>T on transcript NM_015354.3 (MANE Select); coding-DNA position 4256, C replaced by T.
Protein change: p.Ala1419Val; replaces alanine 1419 with valine.
Molecular consequence: missense variant.
Genome position (GRCh38, 1-based): chr9:129,002,935, C>T. VCF-style: chr9-129002935-C-T. GRCh37 (hg19) VCF-style: chr9-131765214-C-T.
Other names: c.4256C>T (NM_015354.2); short protein forms A1419V.
Identifiers: ClinVar variation 2659563 (VCV002659563.25), dbSNP rs17433024, ClinGen allele CA5273253.

ClinVar aggregate classification (germline): Likely benign. Review status: criteria provided, single submitter (1 of 4 stars). 2 submissions from 2 submitters: Likely benign (1). 1 of the submissions does not count toward it. Last evaluated 2026-09-01.

Conditions:
NUP188-related disorder. Also called: NUP188-related condition.

Allele frequency attached by ClinVar (database versions not stated): 1000 Genomes Project 0.00160; 1000 Genomes Project 30x 0.00187; TOPMed 0.00478; ExAC 0.00519; gnomAD 0.00549; ESP Exome Variant Server 0.00607; gnomAD exomes 0.00657.
gnomAD v4.1: 10,399 of 1,614,196 alleles (0.64%); highest among the groups gnomAD compares: Non-Finnish European, 0.73%; 57 homozygotes.

Submissions (2):

CeGaT Center for Human Genetics Tuebingen
Classification: Likely benign. Last evaluated: 2026-09-01. Review status: criteria provided, single submitter. Criteria: CeGaT Center For Human Genetics Tuebingen Variant Classification Criteria Version 2. Collection method: clinical testing. Allele origin: germline. Affected: yes. Observed: 14 variant alleles.
Comment: NUP188: BS2

PreventionGenetics, part of Exact Sciences
Classification: Likely benign for NUP188-related condition. Last evaluated: 2019-03-12. Review status: no assertion criteria provided. Collection method: clinical testing. Allele origin: germline. Not counted in ClinVar's aggregate classification.
Comment: This variant is classified as likely benign based on ACMG/AMP sequence variant interpretation guidelines (Richards et al. 2015 PMID: 25741868, with internal and published modifications).